The following is an entry in ClinVar:

ClinVar aggregate classification (germline): Conflicting classifications of pathogenicity. Review status: criteria provided, conflicting classifications (1 of 4 stars). 5 submissions from 5 submitters: Uncertain significance (1); Likely benign (4). Last evaluated 2025-12-10.

Conditions:
Inborn genetic diseases. Identifiers: MedGen C0950123, MeSH D030342.
MAF-related disorder. Also called: MAF-related condition.
Cataract 21 multiple types. Also called: CATARACT 21, MULTIPLE TYPES, WITH MICROCORNEA; CATARACT 21, MULTIPLE TYPES, WITH OR WITHOUT MICROCORNEA; CATARACT 21, CERULEAN, WITH OR WITHOUT MICROCORNEA; Cataract, congenital, cerulean type, 4. Identifiers: Orphanet 91492, MedGen C1857768, MONDO:0012437, OMIM 610202.
Ayme-Gripp syndrome. Also called: Aymé-Gripp Syndrome. Identifiers: MedGen C1832812, MONDO:0010992, OMIM 601088.

Submissions (5):

PreventionGenetics, part of Exact Sciences
Classification: Likely benign for MAF-related condition. Last evaluated: 2025-12-10. Review status: criteria provided, single submitter. Criteria: ACMG Guidelines, 2015. Collection method: clinical testing. Allele origin: germline.
Comment: This variant is classified as likely benign based on ACMG/AMP sequence variant interpretation guidelines (Richards et al. 2015 PMID: 25741868, with internal and published modifications).

Ambry Genetics
Classification: Likely benign for Inborn genetic diseases. Last evaluated: 2025-02-20. Review status: criteria provided, single submitter. Criteria: Ambry Variant Classification Scheme 2023. Collection method: clinical testing. Allele origin: germline.

Blueprint Genetics
Classification: Likely benign. Last evaluated: 2024-11-15. Review status: criteria provided, single submitter. Criteria: ACMG Guidelines, 2015. Collection method: clinical testing. Allele origin: germline.

Labcorp Genetics (formerly Invitae), Labcorp
Classification: Likely benign for Cataract 21 multiple types; Ayme-Gripp syndrome. Last evaluated: 2022-01-06. Review status: criteria provided, single submitter. Criteria: Invitae Variant Classification Sherloc (09022015). Collection method: clinical testing. Allele origin: germline.

GeneDx
Classification: Uncertain significance. Last evaluated: 2020-10-21. Review status: criteria provided, single submitter. Criteria: GeneDx Variant Classification Process June 2021. Collection method: clinical testing. Allele origin: germline. Affected: yes.
Comment: In-frame deletion of 1 amino acid in a repetitive region with no known function; Has not been previously published as pathogenic or benign to our knowledge

NM_005360.5(MAF):c.678CGG[7] (p.Gly238del)

Gene: MAF (MAF bZIP transcription factor; minus strand). Cytogenetic location: 16q23.2.
Variant type: Microsatellite.
Coding change: c.678CGG[7] on transcript NM_005360.5 (MANE Select); seven copies in a row of the 3-base unit CGG starting at c.678; the reference has eight copies in a row; one copy, 3 bases deleted.
Protein change: p.Gly238del; deletes glycine 238.
Molecular consequence: inframe deletion.
Genome position (GRCh38, 1-based): chr16:79,599,202-79,599,204, CCG deleted on the plus strand (CGG on the coding strand, the reverse complement: MAF is on the minus strand); deleting any 3 consecutive bases within chr16:79,599,202-79,599,227 gives the same sequence; the position shown is the placement nearest the transcript's 3' end. VCF-style (leftmost placement, unchanged base first): chr16-79599201-TCCG-T. GRCh37 (hg19) VCF-style: chr16-79633098-TCCG-T.
Other names: c.678CGG[7], p.Gly238del (NM_001031804.3); short protein forms G238del.
Identifiers: ClinVar variation 1144321 (VCV001144321.16), dbSNP rs887468453, ClinGen allele CA496509035.